The following is an entry in ClinVar:

ClinVar aggregate classification (germline): Benign/Likely benign. Review status: criteria provided, multiple submitters, no conflicts (2 of 4 stars). 9 submissions from 9 submitters: Benign (6); Likely benign (2). 1 of the submissions does not count toward it. Last evaluated 2026-02-01.

Conditions:
Collagen 6-related myopathy. Identifiers: MedGen CN117976, MONDO:0100225.
Bethlem myopathy 1A. Also called: Bethlem myopathy 1; Bethlem Muscular Dystrophy; MYOPATHY, BENIGN CONGENITAL, WITH CONTRACTURES. Identifiers: Orphanet 610, MedGen CN029274, MONDO:0024530, OMIM 158810.

Allele frequency attached by ClinVar (database versions not stated): 1000 Genomes Project 0.00659; gnomAD exomes 0.01828 and 0.00523; 1000 Genomes Project 30x 0.00671; gnomAD 0.00885 and 0.00922; ExAC 0.01616; TOPMed 0.00747; ESP Exome Variant Server 0.00161.
gnomAD v4.1: 8,919 of 1,611,966 alleles (0.55%); highest among the groups gnomAD compares: Admixed American, 6.3%; 336 homozygotes.

Submissions (9):

Labcorp Genetics (formerly Invitae), Labcorp
Classification: Benign for Bethlem myopathy 1A. Last evaluated: 2026-02-01. Review status: criteria provided, single submitter. Criteria: Invitae Variant Classification Sherloc (09022015). Collection method: clinical testing. Allele origin: germline.

Mayo Clinic Laboratories, Mayo Clinic
Classification: Benign. Last evaluated: 2020-09-30. Review status: criteria provided, single submitter. Criteria: ACMG Guidelines, 2015. Collection method: clinical testing. Allele origin: germline. Observed: 8 variant alleles.

Illumina Laboratory Services, Illumina
Classification: Benign for Collagen VI-related myopathy. Last evaluated: 2018-01-12. Review status: criteria provided, single submitter. Criteria: ICSL Variant Classification Criteria 13 December 2019. Collection method: clinical testing. Allele origin: germline.
Comment: This variant was observed in the ICSL laboratory as part of a predisposition screen in an ostensibly healthy population. It had not been previously curated by ICSL or reported in the Human Gene Mutation Database (HGMD: prior to June 1st, 2018), and was therefore a candidate for classification through an automated scoring system. Utilizing variant allele frequency, disease prevalence and penetrance estimates, and inheritance mode, an automated score was calculated to assess if this variant is too frequent to cause the disease. Based on the score and internal cut-off values, a variant classified as benign is not then subjected to further curation. The score for this variant resulted in a classification of benign for this disease.

GeneDx
Classification: Benign. Last evaluated: 2016-03-04. Review status: criteria provided, single submitter. Criteria: GeneDx Variant Classification (06012015). Collection method: clinical testing. Allele origin: germline. Affected: yes.
Comment: This variant is considered likely benign or benign based on one or more of the following criteria: it is a conservative change, it occurs at a poorly conserved position in the protein, it is predicted to be benign by multiple in silico algorithms, and/or has population frequency not consistent with disease.

Center for Pediatric Genomic Medicine, Children's Mercy Hospital and Clinics
Classification: Likely benign. Last evaluated: 2015-04-13. Review status: criteria provided, single submitter. Criteria: ACMG Guidelines, 2015. Collection method: clinical testing. Allele origin: germline.
ClinVar note: Converted during submission from Likely Benign to Likely benign.

Eurofins Ntd Llc (ga)
Classification: Benign. Last evaluated: 2013-11-04. Review status: criteria provided, single submitter. Criteria: EGL Classification Definitions 2015. Collection method: clinical testing. Allele origin: germline. Observed: 9 variant alleles, 9 heterozygotes.

Breakthrough Genomics
Classification: Likely benign. Review status: criteria provided, single submitter. Criteria: ACMG Guidelines, 2015. Collection method: not provided. Allele origin: germline. Inheritance: Autosomal recessive inheritance. Affected: yes.

PreventionGenetics, part of Exact Sciences
Classification: Benign. Review status: criteria provided, single submitter. Criteria: ACMG Guidelines, 2015. Collection method: clinical testing. Allele origin: germline.

Genetic Services Laboratory, University of Chicago
Classification: Likely benign for AllHighlyPenetrant. Review status: no assertion criteria provided. Collection method: clinical testing. Allele origin: germline. Not counted in ClinVar's aggregate classification.
Comment: Likely benign based on allele frequency in 1000 Genomes Project or ESP global frequency and its presence in a patient with a rare or unrelated disease phenotype. NOT Sanger confirmed.

NM_001848.3(COL6A1):c.2424G>T (p.Gln808His)

Gene: COL6A1 (collagen type VI alpha 1 chain; plus strand). Cytogenetic location: 21q22.3.
Variant type: single nucleotide variant.
Coding change: c.2424G>T on transcript NM_001848.3 (MANE Select); coding-DNA position 2424, G replaced by T.
Protein change: p.Gln808His; replaces glutamine 808 with histidine.
Molecular consequence: missense variant.
Genome position (GRCh38, 1-based): chr21:46,002,700, G>T. VCF-style: chr21-46002700-G-T. GRCh37 (hg19) VCF-style: chr21-47422614-G-T.
Identifiers: ClinVar variation 93853 (VCV000093853.25), dbSNP rs140547835, ClinGen allele CA147367.